The following is an entry in ClinVar:

ClinVar aggregate classification (germline): Uncertain significance (1 of 4 stars; one submission).

Submission:

Women's Health and Genetics/Laboratory Corporation of America, LabCorp
Classification: Uncertain significance. Last evaluated: 2024-01-02. Review status: criteria provided, single submitter. Criteria: LabCorp Variant Classification Summary - May 2015. Collection method: clinical testing. Allele origin: germline.
Comment: Variant summary: DMD c.8582T>A (p.Val2861Glu) results in a non-conservative amino acid change located in repeat 23 of the central rod domain of the encoded protein sequence. Three of five in-silico tools predict a benign effect of the variant on protein function. The variant was absent in 182800 control chromosomes (gnomAD). The available data on variant occurrences in the general population are insufficient to allow any conclusion about variant significance. To our knowledge, no occurrence of c.8582T>A in individuals affected with Dystrophinopathies and no experimental evidence demonstrating its impact on protein function have been reported. No submitters have cited clinical-significance assessments for this variant to ClinVar after 2014. Based on the evidence outlined above, the variant was classified as uncertain significance.

NM_004006.3(DMD):c.8582T>A (p.Val2861Glu)

Gene: DMD (dystrophin; minus strand). Cytogenetic location: Xp21.2.
Variant type: single nucleotide variant.
Coding change: c.8582T>A on transcript NM_004006.3 (MANE Select); coding-DNA position 8582, T replaced by A.
Protein change: p.Val2861Glu; replaces valine 2861 with glutamic acid.
Molecular consequence: missense variant.
Genome position (GRCh38, 1-based): chrX:31,479,069, A>T on the plus strand (T>A on the coding strand, the complement: DMD is on the minus strand). VCF-style: chrX-31479069-A-T. GRCh37 (hg19) VCF-style: chrX-31497186-A-T.
Other names: c.8558T>A, p.Val2853Glu (NM_000109.4); c.8570T>A, p.Val2857Glu (NM_004009.3); c.8213T>A, p.Val2738Glu (NM_004010.3); c.4559T>A, p.Val1520Glu (NM_004011.4); c.4550T>A, p.Val1517Glu (NM_004012.4); c.1202T>A, p.Val401Glu (NM_004013.3, NM_004020.4, NM_004021.3 and 2 more transcripts); c.395T>A, p.Val132Glu (NM_004014.3); short protein forms V132E, V1517E, V1520E, V2738E, V2853E, V2857E, V2861E, V401E.
Identifiers: ClinVar variation 3063905 (VCV003063905.1), dbSNP rs181284440, ClinGen allele CA412654614.